The following is an entry in ClinVar:

ClinVar aggregate classification (germline): Uncertain significance (1 of 4 stars; one submission).

Conditions:
Intellectual developmental disorder, autosomal dominant 1. Also called: MBD5 Haploinsufficiency; Intellectual disability, autosomal dominant 1. Identifiers: Orphanet 228402, MedGen C1969562, MONDO:0007974, OMIM 156200.

Submission:

Clinical Genomics Laboratory, Washington University in St. Louis
Classification: Uncertain significance for Intellectual developmental disorder, autosomal dominant 1. Last evaluated: 2026-02-14. Review status: criteria provided, single submitter. Criteria: ACMG Guidelines, 2015. Collection method: clinical testing. Allele origin: germline.
Comment: The MBD5 c.2345G>A (p.Gly782Asp) variant, to our knowledge, has not been reported in the medical literature. This variant is absent from the general population (gnomAD v2.1.1), indicating it is not a common variant. Computational predictors suggest that the variant does not impact MBD5 function. Due to limited information, and based on ACMG/AMP guidelines for variant interpretation (Richards S et al., PMID: 25741868), the clinical significance of this variant is uncertain at this time.

NM_001378120.1(MBD5):c.2345G>A (p.Gly782Asp)

Gene: MBD5 (methyl-CpG binding domain protein 5; plus strand). Cytogenetic location: 2q23.1.
Variant type: single nucleotide variant.
Coding change: c.2345G>A on transcript NM_001378120.1 (MANE Select); coding-DNA position 2345, G replaced by A.
Protein change: p.Gly782Asp; replaces glycine 782 with aspartic acid.
Molecular consequence: missense variant.
Genome position (GRCh38, 1-based): chr2:148,470,288, G>A. VCF-style: chr2-148470288-G-A. GRCh37 (hg19) VCF-style: chr2-149227857-G-A.
Other names: c.2345G>A, p.Gly782Asp (NM_001438857.1, NM_001438858.1, NM_001438859.1 and 7 more transcripts); short protein forms G782D.
Identifiers: ClinVar variation 4879230 (VCV004879230.1).